The following is an entry in ClinVar:

NM_005732.4(RAD50):c.779A>G (p.His260Arg)

Gene: RAD50 (RAD50 double strand break repair protein; plus strand). Cytogenetic location: 5q31.1.
Variant type: single nucleotide variant.
Coding change: c.779A>G on transcript NM_005732.4 (MANE Select); coding-DNA position 779, A replaced by G.
Protein change: p.His260Arg; replaces histidine 260 with arginine.
Molecular consequence: missense variant.
Genome position (GRCh38, 1-based): chr5:132,587,584, A>G. VCF-style: chr5-132587584-A-G. GRCh37 (hg19) VCF-style: chr5-131923276-A-G.
Other names: short protein forms H260R.
Identifiers: ClinVar variation 527336 (VCV000527336.14), dbSNP rs1554098159, ClinGen allele CA360940062.

ClinVar aggregate classification (germline): Uncertain significance. Review status: criteria provided, multiple submitters, no conflicts (2 of 4 stars). 2 submissions from 2 submitters: Uncertain significance (2). Last evaluated 2025-05-16.

Conditions:
Hereditary cancer-predisposing syndrome. Also called: Neoplastic Syndromes, Hereditary; Tumor predisposition; Hereditary Cancer Syndrome; Hereditary neoplastic syndrome. Identifiers: Orphanet 140162, MedGen C0027672, MeSH D009386, MONDO:0015356.

Submissions (2):

Ambry Genetics
Classification: Uncertain significance for Hereditary cancer-predisposing syndrome. Last evaluated: 2025-05-16. Review status: criteria provided, single submitter. Criteria: Ambry Variant Classification Scheme 2023. Collection method: clinical testing. Allele origin: germline.
Comment: The p.H260R variant (also known as c.779A>G), located in coding exon 6 of the RAD50 gene, results from an A to G substitution at nucleotide position 779. The histidine at codon 260 is replaced by arginine, an amino acid with highly similar properties. This amino acid position is poorly conserved in available vertebrate species. In addition, this alteration is predicted to be tolerated by in silico analysis. Since supporting evidence is limited at this time, the clinical significance of this alteration remains unclear.

Labcorp Genetics (formerly Invitae), Labcorp
Classification: Uncertain significance for Hereditary cancer-predisposing syndrome. Last evaluated: 2022-05-16. Review status: criteria provided, single submitter. Criteria: Invitae Variant Classification Sherloc (09022015). Collection method: clinical testing. Allele origin: germline.
Comment: Algorithms developed to predict the effect of missense changes on protein structure and function (SIFT, PolyPhen-2, Align-GVGD) all suggest that this variant is likely to be tolerated. Algorithms developed to predict the effect of sequence changes on RNA splicing suggest that this variant may create or strengthen a splice site. In summary, the available evidence is currently insufficient to determine the role of this variant in disease. Therefore, it has been classified as a Variant of Uncertain Significance. ClinVar contains an entry for this variant (Variation ID: 527336). This sequence change replaces histidine, which is basic and polar, with arginine, which is basic and polar, at codon 260 of the RAD50 protein (p.His260Arg). This variant is not present in population databases (gnomAD no frequency). This variant has not been reported in the literature in individuals affected with RAD50-related conditions.